The following is an entry in ClinVar:

ClinVar aggregate classification (germline): Likely benign (1 of 4 stars; one submission).

Conditions:
ELP4-related disorder. Also called: ELP4-related condition.

gnomAD v4.1: 421 of 1,611,384 alleles (0.026%); highest among the groups gnomAD compares: South Asian, 0.44%; 6 homozygotes.

Submission:

PreventionGenetics, part of Exact Sciences
Classification: Likely benign for ELP4-related condition. Last evaluated: 2026-07-09. Review status: criteria provided, single submitter. Criteria: ACMG Guidelines, 2015. Collection method: clinical testing. Allele origin: germline.
Comment: This variant is classified as likely benign based on ACMG/AMP sequence variant interpretation guidelines (Richards et al. 2015 PMID: 25741868, with internal and published modifications).

NM_019040.5(ELP4):c.554A>T (p.Asp185Val)

Gene: ELP4 (elongator acetyltransferase complex subunit 4; plus strand). Cytogenetic location: 11p13.
Variant type: single nucleotide variant.
Coding change: c.554A>T on transcript NM_019040.5 (MANE Select); coding-DNA position 554, A replaced by T.
Protein change: p.Asp185Val; replaces aspartic acid 185 with valine.
Molecular consequence: missense variant.
Genome position (GRCh38, 1-based): chr11:31,603,808, A>T. VCF-style: chr11-31603808-A-T. GRCh37 (hg19) VCF-style: chr11-31625355-A-T.
Other names: c.557A>T, p.Asp186Val (NM_001288725.2); c.554A>T, p.Asp185Val (NM_001288726.2); short protein forms D185V, D186V.
Identifiers: ClinVar variation 4980497 (VCV004980497.1).